The following is an entry in ClinVar:

NM_004527.4(MEOX1):c.-9G>A

Gene: MEOX1 (mesenchyme homeobox 1; minus strand). Cytogenetic location: 17q21.31.
Variant type: single nucleotide variant.
Coding change: c.-9G>A on transcript NM_004527.4 (MANE Select); 9 bases upstream of the start codon, G replaced by A.
Molecular consequence: 5 prime UTR variant. On other transcripts: intron variant (1).
Genome position (GRCh38, 1-based): chr17:43,661,543, C>T on the plus strand (G>A on the coding strand, the complement: MEOX1 is on the minus strand). VCF-style: chr17-43661543-C-T. GRCh37 (hg19) VCF-style: chr17-41738911-C-T.
Other names: c.-9G>A (NM_013999.4); c.-204-150G>A (NM_001040002.2).
Identifiers: ClinVar variation 3053455 (VCV003053455.2), dbSNP rs184418085, ClinGen allele CA8592727.

ClinVar aggregate classification (germline): Likely benign (0 of 4 stars; one submission).

Conditions:
MEOX1-related disorder. Also called: MEOX1-related condition.

Allele frequency attached by ClinVar (database versions not stated): gnomAD exomes 0.00006; 1000 Genomes Project 30x 0.00031; ExAC 0.00033; 1000 Genomes Project 0.00040; gnomAD 0.00053; TOPMed 0.00061; ESP Exome Variant Server 0.00095.

Submission:

PreventionGenetics, part of Exact Sciences
Classification: Likely benign for MEOX1-related condition. Last evaluated: 2019-09-09. Review status: no assertion criteria provided. Collection method: clinical testing. Allele origin: germline.
Comment: This variant is classified as likely benign based on ACMG/AMP sequence variant interpretation guidelines (Richards et al. 2015 PMID: 25741868, with internal and published modifications).